The following is an entry in ClinVar:

ClinVar aggregate classification (germline): Uncertain significance (1 of 4 stars; one submission).

Submission:

GeneDx
Classification: Uncertain significance. Last evaluated: 2021-08-02. Review status: criteria provided, single submitter. Criteria: GeneDx Variant Classification Process June 2021. Collection method: clinical testing. Allele origin: germline. Affected: yes.
Comment: Not observed at significant frequency in large population cohorts (Lek et al., 2016); In silico analysis supports that this missense variant does not alter protein structure/function; Has not been previously published as pathogenic or benign to our knowledge

NM_005334.3(HCFC1):c.5341C>G (p.Leu1781Val)

Gene: HCFC1 (host cell factor C1; minus strand). Cytogenetic location: Xq28.
Variant type: single nucleotide variant.
Coding change: c.5341C>G on transcript NM_005334.3 (MANE Select); coding-DNA position 5341, C replaced by G.
Protein change: p.Leu1781Val; replaces leucine 1781 with valine.
Molecular consequence: missense variant.
Genome position (GRCh38, 1-based): chrX:153,951,627, G>C on the plus strand (C>G on the coding strand, the complement: HCFC1 is on the minus strand). VCF-style: chrX-153951627-G-C. GRCh37 (hg19) VCF-style: chrX-153217078-G-C.
Other names: short protein forms L1781V.
Identifiers: ClinVar variation 1314068 (VCV001314068.2), dbSNP rs2148559815, ClinGen allele CA415105071.